The following is an entry in ClinVar:

ClinVar aggregate classification (germline): Uncertain significance (1 of 4 stars; one submission).

Conditions:
Fucosidosis. Also called: ALPHA-L-FUCOSIDASE DEFICIENCY. Identifiers: Orphanet 349, MedGen C0016788, MONDO:0009254, OMIM 230000.

Allele frequency attached by ClinVar (database versions not stated): gnomAD exomes 0.00001; ExAC 0.00003; gnomAD 0.00003; TOPMed 0.00003; 1000 Genomes Project 0.00020; 1000 Genomes Project 30x 0.00031.
gnomAD v4.1: 15 of 1,614,066 alleles (0.00093%); highest among the groups gnomAD compares: Admixed American, 0.015%; no homozygotes.

Submission:

Labcorp Genetics (formerly Invitae), Labcorp
Classification: Uncertain significance for Fucosidosis. Last evaluated: 2022-04-10. Review status: criteria provided, single submitter. Criteria: Invitae Variant Classification Sherloc (09022015). Collection method: clinical testing. Allele origin: germline.
Comment: This sequence change replaces isoleucine, which is neutral and non-polar, with valine, which is neutral and non-polar, at codon 398 of the FUCA1 protein (p.Ile398Val). This variant is present in population databases (rs548070711, gnomAD 0.02%). This variant has not been reported in the literature in individuals affected with FUCA1-related conditions. Algorithms developed to predict the effect of missense changes on protein structure and function (SIFT, PolyPhen-2, Align-GVGD) all suggest that this variant is likely to be tolerated. In summary, the available evidence is currently insufficient to determine the role of this variant in disease. Therefore, it has been classified as a Variant of Uncertain Significance.

NM_000147.5(FUCA1):c.1192A>G (p.Ile398Val)

Gene: FUCA1 (alpha-L-fucosidase 1; minus strand). Cytogenetic location: 1p36.11.
Variant type: single nucleotide variant.
Coding change: c.1192A>G on transcript NM_000147.5 (MANE Select); coding-DNA position 1192, A replaced by G.
Protein change: p.Ile398Val; replaces isoleucine 398 with valine.
Molecular consequence: missense variant. On other transcripts: non-coding transcript variant (4).
Genome position (GRCh38, 1-based): chr1:23,846,142, T>C on the plus strand (A>G on the coding strand, the complement: FUCA1 is on the minus strand). VCF-style: chr1-23846142-T-C. GRCh37 (hg19) VCF-style: chr1-24172632-T-C.
Other names: short protein forms I398V.
Identifiers: ClinVar variation 2050133 (VCV002050133.1), dbSNP rs548070711, ClinGen allele CA686316.